The following is an entry in ClinVar:

NM_001191061.2(SLC25A22):c.524G>A (p.Arg175His)

Gene: SLC25A22 (solute carrier family 25 member 22; minus strand). Cytogenetic location: 11p15.5.
Variant type: single nucleotide variant.
Coding change: c.524G>A on transcript NM_001191061.2 (MANE Select); coding-DNA position 524, G replaced by A.
Protein change: p.Arg175His; replaces arginine 175 with histidine.
Molecular consequence: missense variant.
Genome position (GRCh38, 1-based): chr11:792,616, C>T on the plus strand (G>A on the coding strand, the complement: SLC25A22 is on the minus strand). VCF-style: chr11-792616-C-T. GRCh37 (hg19) VCF-style: chr11-792616-C-T.
Other names: c.524G>A, p.Arg175His (NM_001191060.2, NM_024698.6); short protein forms R175H.
Identifiers: ClinVar variation 546116 (VCV000546116.13), dbSNP rs769329043, ClinGen allele CA5789162.
Genomic context (GRCh38, chr11:792,616, plus strand): 5'-AGCAGCGTGGCCCCGAGTCCCTTGTAGAGACCGGCAATGCCACGGCTCCGCAGCAGGTCG[C>T]GGGTCAGCTGGGTGGCCGTGGGCCGAGGGGCAGCTGGAGCCTCCACTGAGGGCTGGGCAC-3'
Protein context (NP_001177990.1, residues 165-185): APRPTATQLT[Arg175His]DLLRSRGIAG

ClinVar aggregate classification (germline): Uncertain significance. Review status: criteria provided, multiple submitters, no conflicts (2 of 4 stars). 4 submissions from 4 submitters: Uncertain significance (4). Last evaluated 2023-07-07.

Conditions:
Developmental and epileptic encephalopathy, 3 (DEE3). Also called: Epileptic encephalopathy, early infantile, 3. Identifiers: MedGen C5574665, MONDO:0012245, OMIM 609304.
Developmental and epileptic encephalopathy. Identifiers: MedGen C5779964, MONDO:0100620.

Allele frequency attached by ClinVar (database versions not stated): TOPMed 0.00002.
gnomAD v4.1: 31 of 1,605,558 alleles (0.0019%); highest among the groups gnomAD compares: Middle Eastern, 0.016%; no homozygotes.

Submissions (4):

Labcorp Genetics (formerly Invitae), Labcorp
Classification: Uncertain significance for Early-infantile DEE. Last evaluated: 2023-07-07. Review status: criteria provided, single submitter. Criteria: Invitae Variant Classification Sherloc (09022015). Collection method: clinical testing. Allele origin: germline.
Comment: In summary, the available evidence is currently insufficient to determine the role of this variant in disease. Therefore, it has been classified as a Variant of Uncertain Significance. Advanced modeling of protein sequence and biophysical properties (such as structural, functional, and spatial information, amino acid conservation, physicochemical variation, residue mobility, and thermodynamic stability) performed at Invitae indicates that this missense variant is not expected to disrupt SLC25A22 protein function. ClinVar contains an entry for this variant (Variation ID: 546116). This variant has not been reported in the literature in individuals affected with SLC25A22-related conditions. This variant is present in population databases (rs769329043, gnomAD 0.03%). This sequence change replaces arginine, which is basic and polar, with histidine, which is basic and polar, at codon 175 of the SLC25A22 protein (p.Arg175His).

Department of Pathology and Laboratory Medicine, Sinai Health System
Classification: Uncertain significance for Developmental and epileptic encephalopathy, 3. Last evaluated: 2022-02-22. Review status: criteria provided, single submitter. Criteria: ACMG Guidelines, 2015. Collection method: research. Allele origin: germline.

Revvity Omics, Revvity
Classification: Uncertain significance for Developmental and epileptic encephalopathy, 3. Last evaluated: 2021-08-30. Review status: criteria provided, single submitter. Criteria: ACMG Guidelines, 2015. Collection method: clinical testing. Allele origin: germline.

GeneDx
Classification: Uncertain significance. Last evaluated: 2018-05-14. Review status: criteria provided, single submitter. Criteria: GeneDx Variant Classification (06012015). Collection method: clinical testing. Allele origin: germline. Affected: yes.
Comment: A variant of uncertain significance has been identified in the SLC25A22 gene. The R175H variant has not been published as a pathogenic variant, nor has it been reported as a benign variant to our knowledge. The R175H variant is observed in 5/17920 (0.03%) alleles from individuals of East Asian background in large population cohorts (Lek et al., 2016). However, the R175H variant is a conservative amino acid substitution, which is not likely to impact secondary protein structure as these residues share similar properties. In-silico analyses, including protein predictors and evolutionary conservation, support that this variant does not alter protein structure/function. Therefore, based on the currently available information, it is unclear whether this variant is a pathogenic variant or a rare benign variant.